The following is an entry in ClinVar:

ClinVar aggregate classification (germline): Benign/Likely benign. Review status: criteria provided, multiple submitters, no conflicts (2 of 4 stars). 5 submissions from 5 submitters: Benign (2); Likely benign (3). Last evaluated 2026-01-29.

Allele frequency attached by ClinVar (database versions not stated): 1000 Genomes Project 0.00280; 1000 Genomes Project 30x 0.00312; gnomAD 0.00476 and 0.00479; TOPMed 0.00479; gnomAD exomes 0.00615 and 0.00778; ExAC 0.00651; ESP Exome Variant Server 0.00656.
gnomAD v4.1: 12,093 of 1,613,946 alleles (0.75%); highest among the groups gnomAD compares: Non-Finnish European, 0.86%; 48 homozygotes.

Submissions (5):

Labcorp Genetics (formerly Invitae), Labcorp
Classification: Benign. Last evaluated: 2026-01-29. Review status: criteria provided, single submitter. Criteria: Invitae Variant Classification Sherloc (09022015). Collection method: clinical testing. Allele origin: germline.

CeGaT Center for Human Genetics Tuebingen
Classification: Likely benign. Last evaluated: 2025-10-01. Review status: criteria provided, single submitter. Criteria: CeGaT Center For Human Genetics Tuebingen Variant Classification Criteria Version 2. Collection method: clinical testing. Allele origin: germline. Affected: yes. Observed: 11 variant alleles.
Comment: FAT1: BP4, BP7, BS2

Mayo Clinic Laboratories, Mayo Clinic
Classification: Benign. Last evaluated: 2023-08-07. Review status: criteria provided, single submitter. Criteria: ACMG Guidelines, 2015. Collection method: clinical testing. Allele origin: germline. Observed: 3 variant alleles.
Comment: BS1, BS2, BP4, BP7

GeneDx
Classification: Likely benign. Last evaluated: 2021-04-29. Review status: criteria provided, single submitter. Criteria: GeneDx Variant Classification Process June 2021. Collection method: clinical testing. Allele origin: germline. Affected: yes.

Breakthrough Genomics
Classification: Likely benign. Review status: criteria provided, single submitter. Criteria: ACMG Guidelines, 2015. Collection method: not provided. Allele origin: germline. Inheritance: Unknown mechanism. Affected: yes.

NM_005245.4(FAT1):c.7698C>T (p.Val2566=)

Gene: FAT1 (FAT atypical cadherin 1; minus strand). Cytogenetic location: 4q35.2.
Variant type: single nucleotide variant.
Coding change: c.7698C>T on transcript NM_005245.4 (MANE Select); coding-DNA position 7698, C replaced by T.
Protein change: p.Val2566=; no amino-acid change (valine 2566 retained).
Molecular consequence: synonymous variant.
Genome position (GRCh38, 1-based): chr4:186,618,888, G>A on the plus strand (C>T on the coding strand, the complement: FAT1 is on the minus strand). VCF-style: chr4-186618888-G-A. GRCh37 (hg19) VCF-style: chr4-187540042-G-A.
Other names: p.Val2566=.
Identifiers: ClinVar variation 790789 (VCV000790789.37), dbSNP rs192818736, ClinGen allele CA3166016.